The following is an entry in ClinVar:

NM_003072.5(SMARCA4):c.1788G>A (p.Thr596=)

Gene: SMARCA4 (SWI/SNF related BAF chromatin remodeling complex subunit ATPase 4; plus strand). Cytogenetic location: 19p13.2.
Variant type: single nucleotide variant.
Coding change: c.1788G>A on transcript NM_003072.5 (MANE Select); coding-DNA position 1788, G replaced by A.
Protein change: p.Thr596=; no amino-acid change (threonine 596 retained).
Molecular consequence: synonymous variant. On other transcripts: non-coding transcript variant (1).
Genome position (GRCh38, 1-based): chr19:10,996,520, G>A. VCF-style: chr19-10996520-G-A. GRCh37 (hg19) VCF-style: chr19-11107196-G-A.
Other names: c.1788G>A, p.Thr596= (NM_001128844.3, NM_001128845.2, NM_001128846.2 and 5 more transcripts).
Identifiers: ClinVar variation 484908 (VCV000484908.21), dbSNP rs148055156, ClinGen allele CA9203895.

ClinVar aggregate classification (germline): Benign/Likely benign. Review status: criteria provided, multiple submitters, no conflicts (2 of 4 stars). 6 submissions from 6 submitters: Benign (1); Likely benign (4). 1 of the submissions does not count toward it. Last evaluated 2026-07-10.

Conditions:
Hereditary cancer-predisposing syndrome. Also called: Tumor predisposition; Neoplastic Syndromes, Hereditary; Hereditary Cancer Syndrome; Hereditary neoplastic syndrome. Identifiers: Orphanet 140162, MedGen C0027672, MeSH D009386, MONDO:0015356.
SMARCA4-related disorder. Also called: SMARCA4-related condition.
Rhabdoid tumor predisposition syndrome 2 (RTPS2). Identifiers: Orphanet 231108, Orphanet 69077, MedGen C2750074, MONDO:0013224, OMIM 613325.

Allele frequency attached by ClinVar (database versions not stated): gnomAD 0.00001; ESP Exome Variant Server 0.00008; ExAC 0.00002; TOPMed 0.00001.
gnomAD v4.1: 9 of 1,614,078 alleles (0.00056%); highest among the groups gnomAD compares: Admixed American, 0.0067%; no homozygotes.

Submissions (6):

Myriad Genetics, Inc.
Classification: Benign for Rhabdoid tumor predisposition syndrome 2. Last evaluated: 2026-07-10. Review status: criteria provided, single submitter. Criteria: Myriad Autosomal Dominant, Autosomal Recessive and X-Linked Classification Criteria (2023). Collection method: clinical testing. Allele origin: unknown.
Comment: This variant is considered benign. This variant is a silent/synonymous amino acid change and it is not expected to impact splicing.

Labcorp Genetics (formerly Invitae), Labcorp
Classification: Likely benign for Rhabdoid tumor predisposition syndrome 2. Last evaluated: 2025-11-25. Review status: criteria provided, single submitter. Criteria: Invitae Variant Classification Sherloc (09022015). Collection method: clinical testing. Allele origin: germline.

Sema4
Classification: Likely benign for Hereditary cancer-predisposing syndrome. Last evaluated: 2021-11-23. Review status: criteria provided, single submitter. Criteria: Sema4 Curation Guidelines. Collection method: curation. Allele origin: germline.

GeneDx
Classification: Likely benign. Last evaluated: 2020-02-12. Review status: criteria provided, single submitter. Criteria: GeneDx Variant Classification Process June 2021. Collection method: clinical testing. Allele origin: germline. Affected: yes.

Ambry Genetics
Classification: Likely benign for Hereditary cancer-predisposing syndrome. Last evaluated: 2016-12-23. Review status: criteria provided, single submitter. Criteria: Ambry Variant Classification Scheme 2023. Collection method: clinical testing. Allele origin: germline.

PreventionGenetics, part of Exact Sciences
Classification: Likely benign for SMARCA4-related condition. Last evaluated: 2022-04-04. Review status: no assertion criteria provided. Collection method: clinical testing. Allele origin: germline. Not counted in ClinVar's aggregate classification.
Comment: This variant is classified as likely benign based on ACMG/AMP sequence variant interpretation guidelines (Richards et al. 2015 PMID: 25741868, with internal and published modifications).